The following is an entry in ClinVar:

ClinVar aggregate classification (germline): Likely benign (1 of 4 stars; one submission).
ClinVar aggregate classification (oncogenicity): Oncogenic (0 of 4 stars; one submission).

Conditions:
Cardiovascular phenotype. Identifiers: MedGen CN230736.
Acute myeloid leukemia (AML). Also called: Acute myeloid leukemia, adult; AML adult; Acute non-lymphocytic leukemia; Acute granulocytic leukemia; Leukemia, acute myeloid, somatic; Leukemia, acute myelogenous, somatic. Identifiers: Orphanet 519, MedGen C0023467, MeSH D015470, MONDO:0018874, OMIM 601626, HP:0004808. Disease mechanism: Constitutively activated FLT3.

Submissions (2):

Ambry Genetics
Classification: Likely benign for Cardiovascular phenotype. Last evaluated: 2026-07-31. Review status: criteria provided, single submitter. Criteria: Ambry Variant Classification Scheme 2023. Collection method: clinical testing. Allele origin: germline.

Department of Pathology, Institute of Nuclear Medicine and Oncology
Classification: Oncogenic for Acute myeloid leukemia. Last evaluated: 2025-02-20. Review status: no assertion criteria provided. Collection method: research. Allele origin: somatic. Affected: yes.
Comment: Gene: NRAS Transcript: NM_002524.5 cDNA Change: c.174A>C Protein Change: p.T58T Mutation Type: Missense synonymous mutation in exon 3, within the GTPase domain Genomic Location (GRCh38): chr1:114713916A>C NRAS c.174A>C (p.T58T) is a synonymous, oncogenic, somatic mutation commonly seen in AML. It is previously databases such as COSMIC and ClinVar reported in While no approved NRAS-targeted therapies currently exist, this mutation may influence prognosis and inform eligibility for clinical trials targeting downstream pathways. Co-mutation analysis is recommended for comprehensive risk stratification.

NM_002524.5(NRAS):c.174A>C (p.Thr58=)

Gene: NRAS (NRAS proto-oncogene, GTPase; minus strand). Cytogenetic location: 1p13.2.
Variant type: single nucleotide variant.
Coding change: c.174A>C on transcript NM_002524.5 (MANE Select); coding-DNA position 174, A replaced by C.
Protein change: p.Thr58=; no amino-acid change (threonine 58 retained).
Molecular consequence: synonymous variant.
Genome position (GRCh38, 1-based): chr1:114,713,916, T>G on the plus strand (A>C on the coding strand, the complement: NRAS is on the minus strand). VCF-style: chr1-114713916-T-G. GRCh37 (hg19) VCF-style: chr1-115256537-T-G.
Other names: c.174A>C (NM_002524.4).
Identifiers: ClinVar variation 4073531 (VCV004073531.2).